The following is an entry in ClinVar:

NM_177438.3(DICER1):c.1229T>C (p.Val410Ala)

Gene: DICER1 (dicer 1, ribonuclease III; minus strand). Cytogenetic location: 14q32.13.
Variant type: single nucleotide variant.
Coding change: c.1229T>C on transcript NM_177438.3 (MANE Select); coding-DNA position 1229, T replaced by C.
Protein change: p.Val410Ala; replaces valine 410 with alanine.
Molecular consequence: missense variant. On other transcripts: 5 prime UTR variant (1), non-coding transcript variant (6).
Genome position (GRCh38, 1-based): chr14:95,124,343, A>G on the plus strand (T>C on the coding strand, the complement: DICER1 is on the minus strand). VCF-style: chr14-95124343-A-G. GRCh37 (hg19) VCF-style: chr14-95590680-A-G.
Other names: c.1229T>C, p.Val410Ala (NM_001291628.2, NM_030621.4, NM_001395677.1 and 15 more transcripts); c.824T>C, p.Val275Ala (NM_001395696.1, NM_001395698.1, NM_001395687.1 and 3 more transcripts); c.-340T>C (NM_001395697.1); c.947T>C, p.Val316Ala (NM_001395686.1); c.662T>C, p.Val221Ala (NM_001395691.1); short protein forms V410A, V221A, V275A, V316A.
Identifiers: ClinVar variation 1755072 (VCV001755072.2), dbSNP rs2543175805, ClinGen allele CA390886595.

ClinVar aggregate classification (germline): Uncertain significance (1 of 4 stars; one submission).

Conditions:
Hereditary cancer-predisposing syndrome. Also called: Neoplastic Syndromes, Hereditary; Tumor predisposition; Hereditary Cancer Syndrome; Hereditary neoplastic syndrome. Identifiers: Orphanet 140162, MedGen C0027672, MeSH D009386, MONDO:0015356.

Submission:

Ambry Genetics
Classification: Uncertain significance for Hereditary cancer-predisposing syndrome. Last evaluated: 2022-07-25. Review status: criteria provided, single submitter. Criteria: Ambry Variant Classification Scheme 2023. Collection method: clinical testing. Allele origin: germline.
Comment: The p.V410A variant (also known as c.1229T>C), located in coding exon 7 of the DICER1 gene, results from a T to C substitution at nucleotide position 1229. The valine at codon 410 is replaced by alanine, an amino acid with similar properties. This amino acid position is conserved. In addition, the in silico prediction for this alteration is inconclusive. Since supporting evidence is limited at this time, the clinical significance of this alteration remains unclear.